The following is an entry in ClinVar:

ClinVar aggregate classification (germline): Uncertain significance (1 of 4 stars; one submission).

gnomAD v4.1: 8 of 1,551,868 alleles (0.00052%); highest among the groups gnomAD compares: Non-Finnish European, 0.00061%; no homozygotes.

Submission:

Labcorp Genetics (formerly Invitae), Labcorp
Classification: Uncertain significance. Last evaluated: 2025-09-28. Review status: criteria provided, single submitter. Criteria: Invitae Variant Classification Sherloc (09022015). Collection method: clinical testing. Allele origin: germline.
Comment: This sequence change replaces aspartic acid, which is acidic and polar, with asparagine, which is neutral and polar, at codon 1304 of the WDR87 protein (p.Asp1304Asn). This variant is not present in population databases (gnomAD no frequency). This variant has not been reported in the literature in individuals affected with WDR87-related conditions. An algorithm developed to predict the effect of missense changes on protein structure and function (PolyPhen-2) suggests that this variant is likely to be tolerated. In summary, the available evidence is currently insufficient to determine the role of this variant in disease. Therefore, it has been classified as a Variant of Uncertain Significance.

NM_001291088.2(WDR87):c.4027G>A (p.Asp1343Asn)

Gene: WDR87 (WD repeat domain 87; minus strand). Cytogenetic location: 19q13.13.
Variant type: single nucleotide variant.
Coding change: c.4027G>A on transcript NM_001291088.2 (MANE Select); coding-DNA position 4027, G replaced by A.
Protein change: p.Asp1343Asn; replaces aspartic acid 1343 with asparagine.
Molecular consequence: missense variant.
Genome position (GRCh38, 1-based): chr19:37,889,644, C>T on the plus strand (G>A on the coding strand, the complement: WDR87 is on the minus strand). VCF-style: chr19-37889644-C-T. GRCh37 (hg19) VCF-style: chr19-38380284-C-T.
Other names: c.3910G>A, p.Asp1304Asn (NM_031951.5); short protein forms D1304N, D1343N.
Identifiers: ClinVar variation 4701331 (VCV004701331.1).